The following is an entry in ClinVar:

NM_004366.6(CLCN2):c.2574A>G (p.Arg858=)

Gene: CLCN2 (chloride voltage-gated channel 2; minus strand). Cytogenetic location: 3q27.1.
Variant type: single nucleotide variant.
Coding change: c.2574A>G on transcript NM_004366.6 (MANE Select); coding-DNA position 2574, A replaced by G.
Protein change: p.Arg858=; no amino-acid change (arginine 858 retained).
Molecular consequence: synonymous variant.
Genome position (GRCh38, 1-based): chr3:184,346,729, T>C on the plus strand (A>G on the coding strand, the complement: CLCN2 is on the minus strand). VCF-style: chr3-184346729-T-C. GRCh37 (hg19) VCF-style: chr3-184064517-T-C.
Other names: c.2523A>G, p.Arg841= (NM_001171087.3); c.2442A>G, p.Arg814= (NM_001171088.3); c.2487A>G, p.Arg829= (NM_001171089.3).
Identifiers: ClinVar variation 5040064 (VCV005040064.1).

ClinVar aggregate classification (germline): Likely benign (1 of 4 stars; one submission).

Submission:

CeGaT Center for Human Genetics Tuebingen
Classification: Likely benign. Last evaluated: 2026-07-01. Review status: criteria provided, single submitter. Criteria: CeGaT Center For Human Genetics Tuebingen Variant Classification Criteria Version 2. Collection method: clinical testing. Allele origin: germline. Affected: yes. Observed: 1 variant allele.
Comment: CLCN2: PM2:Supporting, BP4, BP7